The following is an entry in ClinVar:

NM_152564.5(VPS13B):c.6358A>G (p.Met2120Val)

Gene: VPS13B (vacuolar protein sorting 13 homolog B; plus strand). Cytogenetic location: 8q22.2.
Variant type: single nucleotide variant.
Coding change: c.6358A>G on transcript NM_152564.5 (MANE Select); coding-DNA position 6358, A replaced by G.
Protein change: p.Met2120Val; replaces methionine 2120 with valine.
Molecular consequence: missense variant.
Genome position (GRCh38, 1-based): chr8:99,699,836, A>G. VCF-style: chr8-99699836-A-G. GRCh37 (hg19) VCF-style: chr8-100712064-A-G.
Other names: c.6433A>G, p.Met2145Val (NM_017890.5); c.6433A>G (NM_017890.3); short protein forms M2120V, M2145V.
Identifiers: ClinVar variation 1470734 (VCV001470734.9), dbSNP rs748059850, ClinGen allele CA4823981.
Genomic context (GRCh38, chr8:99,699,836, plus strand): 5'-TGGAGAGCTGTTTCCTGCTTTCAAAAAATTTCTGTTCAAACTACTCAGATTGTGATCTCC[A>G]TGGAAACTGTACCCCATACCAGCAAACCATGCCTGTTAGCATCTCTCTCAAACCTCAATG-3'
Protein context (NP_689777.3, residues 2110-2130): SVQTTQIVIS[Met2120Val]ETVPHTSKPC

ClinVar aggregate classification (germline): Uncertain significance. Review status: criteria provided, multiple submitters, no conflicts (2 of 4 stars). 2 submissions from 2 submitters: Uncertain significance (2). Last evaluated 2025-12-19.

Conditions:
Inborn genetic diseases. Identifiers: MedGen C0950123, MeSH D030342.
Cohen syndrome (COH1). Also called: Cutis verticis gyrata, retinitis pigmentosa, and sensorineural deafness; PEPPER SYNDROME. Identifiers: Orphanet 193, MedGen C0265223, MONDO:0008999, OMIM 216550.

Allele frequency attached by ClinVar (database versions not stated): gnomAD exomes below 0.00001 and 0.00001; TOPMed below 0.00001; ExAC 0.00002.
gnomAD v4.1: 2 of 1,613,940 alleles (0.00012%); highest among the groups gnomAD compares: South Asian, 0.0011%; no homozygotes.

Submissions (2):

Ambry Genetics
Classification: Uncertain significance for Inborn genetic diseases. Last evaluated: 2025-12-19. Review status: criteria provided, single submitter. Criteria: Ambry Variant Classification Scheme 2023. Collection method: clinical testing. Allele origin: germline.

Labcorp Genetics (formerly Invitae), Labcorp
Classification: Uncertain significance for Cohen syndrome. Last evaluated: 2024-02-17. Review status: criteria provided, single submitter. Criteria: Invitae Variant Classification Sherloc (09022015). Collection method: clinical testing. Allele origin: germline.
Comment: This sequence change replaces methionine, which is neutral and non-polar, with valine, which is neutral and non-polar, at codon 2145 of the VPS13B protein (p.Met2145Val). This variant is present in population databases (rs748059850, gnomAD 0.006%). This variant has not been reported in the literature in individuals affected with VPS13B-related conditions. ClinVar contains an entry for this variant (Variation ID: 1470734). Advanced modeling of protein sequence and biophysical properties (such as structural, functional, and spatial information, amino acid conservation, physicochemical variation, residue mobility, and thermodynamic stability) performed at Invitae indicates that this missense variant is not expected to disrupt VPS13B protein function with a negative predictive value of 80%. In summary, the available evidence is currently insufficient to determine the role of this variant in disease. Therefore, it has been classified as a Variant of Uncertain Significance.